The following is an entry in ClinVar:

NM_014639.4(SKIC3):c.1187A>T (p.Tyr396Phe)

Gene: SKIC3 (SKI3 subunit of superkiller complex; minus strand). Cytogenetic location: 5q15.
Variant type: single nucleotide variant.
Coding change: c.1187A>T on transcript NM_014639.4 (MANE Select); coding-DNA position 1187, A replaced by T.
Protein change: p.Tyr396Phe; replaces tyrosine 396 with phenylalanine.
Molecular consequence: missense variant.
Genome position (GRCh38, 1-based): chr5:95,525,621, T>A on the plus strand (A>T on the coding strand, the complement: SKIC3 is on the minus strand). VCF-style: chr5-95525621-T-A. GRCh37 (hg19) VCF-style: chr5-94861325-T-A.
Other names: c.1187A>T (NM_014639.3); short protein forms Y396F.
Identifiers: ClinVar variation 1410276 (VCV001410276.6), dbSNP rs142971570, ClinGen allele CA360464869.

ClinVar aggregate classification (germline): Uncertain significance. Review status: criteria provided, multiple submitters, no conflicts (2 of 4 stars). 2 submissions from 2 submitters: Uncertain significance (2). Last evaluated 2024-10-10.

Conditions:
Trichohepatoenteric syndrome 1 (THES1). Also called: DIARRHEA, FATAL INFANTILE, WITH TRICHORRHEXIS NODOSA. Identifiers: Orphanet 84064, MedGen C4551982, MONDO:0024541, OMIM 222470.

gnomAD v4.1: 28 of 1,613,920 alleles (0.0017%); highest among the groups gnomAD compares: African/African-American, 0.02%; 1 homozygote.

Submissions (2):

Victorian Clinical Genetics Services, Murdoch Childrens Research Institute
Classification: Uncertain significance for Trichohepatoenteric syndrome 1. Last evaluated: 2024-10-10. Review status: criteria provided, single submitter. Criteria: ACMG Guidelines, 2015. Collection method: clinical testing. Allele origin: germline. Inheritance: Autosomal recessive inheritance. Affected: no.
Comment: Based on the classification scheme VCGS_Germline_v1.3.5, this variant is classified as VUS-3B. Following criteria are met: 0102 - Loss of function is a known mechanism of disease in this gene and is associated with Trichohepatoenteric syndrome 1 (MIM# 222470). (I) 0106 - This gene is associated with autosomal recessive disease. (I) 0200 - Variant is predicted to result in a missense amino acid change from tyrosine to phenylalanine. (I) 0252 - This variant is homozygous. (I) 0304 - Variant is present in gnomAD (v4) <0.01 for a recessive condition (26 heterozygotes, 1 homozygote). (SP) 0309 - An alternative amino acid change at the same position has been observed in gnomAD (v4; 18 heterozygotes, 0 homozygotes). (I) 0502 - Missense variant with conflicting in silico predictions and uninformative conservation. (I) 0600 - Variant is located in the annotated tetratricopeptide repeat (DECIPHER). (I) 0710 - Another missense variant comparable to the one identified in this case has inconclusive previous evidence for pathogenicity. p.(Tyr396Cys) is reported as a VUS in ClinVar. (I) 0809 - Previous evidence of pathogenicity for this variant is inconclusive. This variant has is reported as a VUS in ClinVar. (I) 0905 - No published segregation evidence has been identified for this variant. (I) 1007 - No published functional evidence has been identified for this variant. (I) 1209 - This variant has been shown to be both maternally and paternally inherited (biallelic by trio analysis). (I) Legend: (SP) - Supporting pathogenic, (I) - Information, (SB) - Supporting benign

Labcorp Genetics (formerly Invitae), Labcorp
Classification: Uncertain significance. Last evaluated: 2022-10-24. Review status: criteria provided, single submitter. Criteria: Invitae Variant Classification Sherloc (09022015). Collection method: clinical testing. Allele origin: germline.
Comment: This sequence change replaces tyrosine, which is neutral and polar, with phenylalanine, which is neutral and non-polar, at codon 396 of the TTC37 protein (p.Tyr396Phe). This variant is present in population databases (no rsID available, gnomAD 0.007%). This variant has not been reported in the literature in individuals affected with TTC37-related conditions. ClinVar contains an entry for this variant (Variation ID: 1410276). Algorithms developed to predict the effect of missense changes on protein structure and function are either unavailable or do not agree on the potential impact of this missense change (SIFT: "Tolerated"; PolyPhen-2: "Possibly Damaging"; Align-GVGD: "Class C0"). In summary, the available evidence is currently insufficient to determine the role of this variant in disease. Therefore, it has been classified as a Variant of Uncertain Significance.